The following is an entry in ClinVar:

NM_006371.5(CRTAP):c.*4774C>T

Gene: CRTAP (cartilage associated protein; plus strand). Cytogenetic location: 3p22.3.
Variant type: single nucleotide variant.
Coding change: c.*4774C>T on transcript NM_006371.5 (MANE Select); 4774 bases downstream of the stop codon, C replaced by T.
Molecular consequence: 3 prime UTR variant.
Genome position (GRCh38, 1-based): chr3:33,147,222, C>T. VCF-style: chr3-33147222-C-T. GRCh37 (hg19) VCF-style: chr3-33188714-C-T.
Identifiers: ClinVar variation 344891 (VCV000344891.5), dbSNP rs11925558, ClinGen allele CA10616216.

ClinVar aggregate classification (germline): Benign (1 of 4 stars; one submission).

Conditions:
Osteogenesis imperfecta type 7 (OI7). Also called: OI type 7; OI type VII; OSTEOGENESIS IMPERFECTA, TYPE IIB; Osteogenesis imperfecta type 2B; OI type 2B; Osteogenesis imperfecta, perinatal lethal autosomal recessive. Identifiers: MedGen C1853162, MONDO:0012536, OMIM 610682.

Allele frequency attached by ClinVar (database versions not stated): gnomAD exomes 0.00169; gnomAD 0.06361 and 0.06783; TOPMed 0.07181; 1000 Genomes Project 0.07588; 1000 Genomes Project 30x 0.07854.
gnomAD v4.1: 9,607 of 152,866 alleles (6.3%); highest among the groups gnomAD compares: African/African-American, 21%; 1,039 homozygotes.

Submission:

Illumina Laboratory Services, Illumina
Classification: Benign for Osteogenesis imperfecta type 7. Last evaluated: 2018-01-13. Review status: criteria provided, single submitter. Criteria: ICSL Variant Classification Criteria 13 December 2019. Collection method: clinical testing. Allele origin: germline.
Comment: This variant was observed in the ICSL laboratory as part of a predisposition screen in an ostensibly healthy population. It had not been previously curated by ICSL or reported in the Human Gene Mutation Database (HGMD: prior to June 1st, 2018), and was therefore a candidate for classification through an automated scoring system. Utilizing variant allele frequency, disease prevalence and penetrance estimates, and inheritance mode, an automated score was calculated to assess if this variant is too frequent to cause the disease. Based on the score and internal cut-off values, a variant classified as benign is not then subjected to further curation. The score for this variant resulted in a classification of benign for this disease.